The following is an entry in ClinVar:

NM_005257.6(GATA6):c.431C>G (p.Pro144Arg)

Gene: GATA6 (GATA binding protein 6; plus strand). Cytogenetic location: 18q11.2.
Variant type: single nucleotide variant.
Coding change: c.431C>G on transcript NM_005257.6 (MANE Select); coding-DNA position 431, C replaced by G.
Protein change: p.Pro144Arg; replaces proline 144 with arginine.
Molecular consequence: missense variant.
Genome position (GRCh38, 1-based): chr18:22,171,575, C>G. VCF-style: chr18-22171575-C-G. GRCh37 (hg19) VCF-style: chr18-19751536-C-G.
Other names: short protein forms P144R.
Identifiers: ClinVar variation 2416321 (VCV002416321.6), dbSNP rs754954867, ClinGen allele CA8908886.

ClinVar aggregate classification (germline): Uncertain significance (1 of 4 stars; one submission).

Conditions:
Atrioventricular septal defect 5 (AVSD5). Identifiers: MedGen C3280939, MONDO:0013769, OMIM 614474.

Allele frequency attached by ClinVar (database versions not stated): TOPMed 0.00001; ExAC 0.00003.

Submission:

Labcorp Genetics (formerly Invitae), Labcorp
Classification: Uncertain significance for Atrioventricular septal defect 5. Last evaluated: 2022-10-22. Review status: criteria provided, single submitter. Criteria: Invitae Variant Classification Sherloc (09022015). Collection method: clinical testing. Allele origin: germline.
Comment: In summary, the available evidence is currently insufficient to determine the role of this variant in disease. Therefore, it has been classified as a Variant of Uncertain Significance. Advanced modeling of protein sequence and biophysical properties (such as structural, functional, and spatial information, amino acid conservation, physicochemical variation, residue mobility, and thermodynamic stability) has been performed at Invitae for this missense variant, however the output from this modeling did not meet the statistical confidence thresholds required to predict the impact of this variant on GATA6 protein function. This variant has not been reported in the literature in individuals affected with GATA6-related conditions. This variant is present in population databases (rs754954867, gnomAD 0.02%). This sequence change replaces proline, which is neutral and non-polar, with arginine, which is basic and polar, at codon 144 of the GATA6 protein (p.Pro144Arg).